The following is an entry in ClinVar:

ClinVar aggregate classification (germline): Uncertain significance (1 of 4 stars; one submission).

Conditions:
Primary ciliary dyskinesia. Also called: Ciliary dyskinesia. Identifiers: Orphanet 244, MedGen C0008780, MONDO:0016575, HP:0012265.

gnomAD v4.1: 2 of 1,614,184 alleles (0.00012%); highest among the groups gnomAD compares: Non-Finnish European, 0.00017%; no homozygotes.

Submission:

Labcorp Genetics (formerly Invitae), Labcorp
Classification: Uncertain significance for Primary ciliary dyskinesia. Last evaluated: 2025-11-20. Review status: criteria provided, single submitter. Criteria: Invitae Variant Classification Sherloc (09022015). Collection method: clinical testing. Allele origin: germline.
Comment: This sequence change replaces aspartic acid, which is acidic and polar, with glutamic acid, which is acidic and polar, at codon 603 of the DNAI2 protein (p.Asp603Glu). This variant is present in population databases (rs763380261, gnomAD 0.002%). This variant has not been reported in the literature in individuals affected with DNAI2-related conditions. Invitae Evidence Modeling of protein sequence and biophysical properties (such as structural, functional, and spatial information, amino acid conservation, physicochemical variation, residue mobility, and thermodynamic stability) has been performed for this missense variant. However, the output from this modeling did not meet the statistical confidence thresholds required to predict the impact of this variant on DNAI2 protein function. In summary, the available evidence is currently insufficient to determine the role of this variant in disease. Therefore, it has been classified as a Variant of Uncertain Significance.

NM_023036.6(DNAI2):c.1809C>G (p.Asp603Glu)

Gene: DNAI2 (dynein axonemal intermediate chain 2; plus strand). Cytogenetic location: 17q25.1.
Variant type: single nucleotide variant.
Coding change: c.1809C>G on transcript NM_023036.6 (MANE Select); coding-DNA position 1809, C replaced by G.
Protein change: p.Asp603Glu; replaces aspartic acid 603 with glutamic acid.
Molecular consequence: missense variant. On other transcripts: non-coding transcript variant (1).
Genome position (GRCh38, 1-based): chr17:74,314,207, C>G. VCF-style: chr17-74314207-C-G. GRCh37 (hg19) VCF-style: chr17-72310346-C-G.
Other names: c.1773C>G, p.Asp591Glu (NM_001172810.3); c.1941C>G, p.Asp647Glu (NM_001353167.2); short protein forms D647E, D591E, D603E.
Identifiers: ClinVar variation 4741459 (VCV004741459.1).
Genomic context (GRCh38, chr17:74,314,207, plus strand): 5'-GGTGGTGGAGGAGGGAGAGGAAGCAGCGGGGGAAGAAGGGGATGAAGAAGTGGAAGAAGA[C>G]TTAGCCTAGAAGTCAGCCTTCGACTGCGGCGCTATCCCTGTGTGCCTTCCTTTCCCACCT-3'
Protein context (NP_075462.3, residues 593-605): GEEGDEEVEE[Asp603Glu]LA